The following is an entry in ClinVar:

ClinVar aggregate classification (germline): Likely benign (1 of 4 stars; one submission).

Conditions:
BLTP1-related disorder. Also called: BLTP1-related condition.

Submission:

PreventionGenetics, part of Exact Sciences
Classification: Likely benign for BLTP1-related condition. Last evaluated: 2024-10-16. Review status: criteria provided, single submitter. Criteria: ACMG Guidelines, 2015. Collection method: clinical testing. Allele origin: germline.
Comment: This variant is classified as likely benign based on ACMG/AMP sequence variant interpretation guidelines (Richards et al. 2015 PMID: 25741868, with internal and published modifications).

NM_001384125.1(BLTP1):c.11514-6C>T

Gene: BLTP1 (bridge-like lipid transfer protein family member 1; plus strand). Cytogenetic location: 4q27.
Variant type: single nucleotide variant.
Coding change: c.11514-6C>T on transcript NM_001384125.1 (MANE Select); 6 bases into the intron before coding-DNA position 11514, C replaced by T.
Molecular consequence: intron variant.
Genome position (GRCh38, 1-based): chr4:122,331,320, C>T. VCF-style: chr4-122331320-C-T. GRCh37 (hg19) VCF-style: chr4-123252475-C-T.
Other names: c.11250-6C>T (NM_015312.4).
Identifiers: ClinVar variation 4998285 (VCV004998285.1).
Genomic context (GRCh38, chr4:122,331,320, plus strand): 5'-GAAAATAGTTTGTTAAAAAGAACTCTCATTTTACTACAATGTAATGATCAATTGTTCTTT[C>T]TGTAGACATACGTCTCGTAAAAAAGCAACAGGCTTTGCTGCTGTTCATCAGCTATTTACA-3'